The following is an entry in ClinVar:

ClinVar aggregate classification (germline): Uncertain significance (0 of 4 stars; one submission).

Conditions:
SIM1-related disorder. Also called: SIM1-related condition; SIM1-related disorders.

gnomAD v4.1: 12 of 1,614,052 alleles (0.00074%); highest among the groups gnomAD compares: Non-Finnish European, 0.00093%; no homozygotes.

Submission:

PreventionGenetics, part of Exact Sciences
Classification: Uncertain significance for SIM1-related condition. Last evaluated: 2024-09-09. Review status: no assertion criteria provided. Collection method: clinical testing. Allele origin: germline.
Comment: The SIM1 c.2080G>C variant is predicted to result in the amino acid substitution p.Val694Leu. To our knowledge, this variant has not been reported in the literature or in a large population database, indicating this variant is rare. At this time, the clinical significance of this variant is uncertain due to the absence of conclusive functional and genetic evidence.

NM_005068.3(SIM1):c.2080G>C (p.Val694Leu)

Gene: SIM1 (SIM bHLH transcription factor 1; minus strand). Cytogenetic location: 6q16.3.
Variant type: single nucleotide variant.
Coding change: c.2080G>C on transcript NM_005068.3 (MANE Select); coding-DNA position 2080, G replaced by C.
Protein change: p.Val694Leu; replaces valine 694 with leucine.
Molecular consequence: missense variant.
Genome position (GRCh38, 1-based): chr6:100,390,582, C>G on the plus strand (G>C on the coding strand, the complement: SIM1 is on the minus strand). VCF-style: chr6-100390582-C-G. GRCh37 (hg19) VCF-style: chr6-100838458-C-G.
Other names: c.2080G>C, p.Val694Leu (NM_001374769.1); short protein forms V694L.
Identifiers: ClinVar variation 3351190 (VCV003351190.1).